The following is an entry in ClinVar:

ClinVar aggregate classification (germline): Benign. Review status: criteria provided, multiple submitters, no conflicts (2 of 4 stars). 2 submissions from 2 submitters: Benign (2). Last evaluated 2018-06-14.

Allele frequency attached by ClinVar (database versions not stated): gnomAD 0.99964 and 0.99967; TOPMed 0.99965; 1000 Genomes Project 0.99980; 1000 Genomes Project 30x 0.99984.
gnomAD v4.1: 152,302 of 152,352 alleles (100%); highest among the groups gnomAD compares: Non-Finnish European, 100%; 76,126 homozygotes.

Submissions (2):

GeneDx
Classification: Benign. Last evaluated: 2018-06-14. Review status: criteria provided, single submitter. Criteria: GeneDx Variant Classification (06012015). Collection method: clinical testing. Allele origin: germline. Affected: yes.
Comment: This variant is considered likely benign or benign based on one or more of the following criteria: it is a conservative change, it occurs at a poorly conserved position in the protein, it is predicted to be benign by multiple in silico algorithms, and/or has population frequency not consistent with disease.

Breakthrough Genomics
Classification: Benign. Review status: criteria provided, single submitter. Criteria: ACMG Guidelines, 2015. Collection method: not provided. Allele origin: germline. Inheritance: Autosomal dominant inheritance. Affected: yes.

NM_001134363.3(RBM20):c.2551-167C>T

Gene: RBM20 (RNA binding motif protein 20; plus strand). Cytogenetic location: 10q25.2.
Variant type: single nucleotide variant.
Coding change: c.2551-167C>T on transcript NM_001134363.3 (MANE Select); 167 bases into the intron before coding-DNA position 2551, C replaced by T.
Molecular consequence: intron variant.
Genome position (GRCh38, 1-based): chr10:110,819,905, C>T. VCF-style: chr10-110819905-C-T. GRCh37 (hg19) VCF-style: chr10-112579663-C-T.
Identifiers: ClinVar variation 672036 (VCV000672036.2), dbSNP rs11195343, ClinGen allele CA213228476.